The following is an entry in ClinVar:

NM_000268.4(NF2):c.1000-16T>C

Gene: NF2 (NF2, moesin-ezrin-radixin like (MERLIN) tumor suppressor; plus strand). Cytogenetic location: 22q12.2.
Variant type: single nucleotide variant.
Coding change: c.1000-16T>C on transcript NM_000268.4 (MANE Select); 16 bases into the intron before coding-DNA position 1000, T replaced by C.
Molecular consequence: intron variant.
Genome position (GRCh38, 1-based): chr22:29,671,810, T>C. VCF-style: chr22-29671810-T-C. GRCh37 (hg19) VCF-style: chr22-30067799-T-C.
Other names: c.1000-16T>C (NM_016418.5, NM_181832.3, NM_181825.3); c.448-22942T>C (NM_181833.3); c.877-16T>C (NM_181829.3); c.874-16T>C (NM_181828.3); c.751-16T>C (NM_181830.3, NM_181831.3).
Identifiers: ClinVar variation 1581722 (VCV001581722.9), dbSNP rs201183251, ClinGen allele CA036318.

ClinVar aggregate classification (germline): Benign/Likely benign. Review status: criteria provided, multiple submitters, no conflicts (2 of 4 stars). 2 submissions from 2 submitters: Benign (1); Likely benign (1). Last evaluated 2026-02-04.

Conditions:
Neurofibromatosis, type 2 (SWNV). Also called: BILATERAL ACOUSTIC NEUROFIBROMATOSIS; SCHWANNOMATOSIS, VESTIBULAR; NF2-Related Schwannomatosis. Identifiers: Orphanet 637, MedGen C0027832, MONDO:0007039, OMIM 101000. Disease mechanism: loss of function.

Allele frequency attached by ClinVar (database versions not stated): ExAC 0.00010; gnomAD exomes 0.00010; gnomAD 0.00011; TOPMed 0.00011; ESP Exome Variant Server 0.00023.
gnomAD v4.1: 167 of 1,613,738 alleles (0.01%); highest among the groups gnomAD compares: Non-Finnish European, 0.013%; no homozygotes.

Submissions (2):

Labcorp Genetics (formerly Invitae), Labcorp
Classification: Likely benign for Neurofibromatosis, type 2. Last evaluated: 2026-02-04. Review status: criteria provided, single submitter. Criteria: Invitae Variant Classification Sherloc (09022015). Collection method: clinical testing. Allele origin: germline.

Women's Health and Genetics/Laboratory Corporation of America, LabCorp
Classification: Benign. Last evaluated: 2024-09-17. Review status: criteria provided, single submitter. Criteria: LabCorp Variant Classification Summary - May 2015. Collection method: clinical testing. Allele origin: germline.
Comment: Variant summary: NF2 c.1000-16T>C alters a nucleotide located at a position not widely known to affect splicing. Consensus agreement among computation tools predict no significant impact on normal splicing. However, these predictions have yet to be confirmed by functional studies. The variant allele was found at a frequency of 9.9e-05 in 251266 control chromosomes, predominantly at a frequency of 0.0002 within the Non-Finnish European subpopulation in the gnomAD database. The observed variant frequency within Non-Finnish European control individuals in the gnomAD database is approximately 11 fold of the estimated maximal expected allele frequency for a pathogenic variant in NF2 causing Neurofibromatosis Type 2 phenotype (1.9e-05). To our knowledge, no occurrence of c.1000-16T>C in individuals affected with Neurofibromatosis Type 2 and no experimental evidence demonstrating its impact on protein function have been reported. ClinVar contains an entry for this variant (Variation ID: 1581722). Based on the evidence outlined above, the variant was classified as benign.